The following is an entry in ClinVar:

NC_000003.11:g.(?_52018081)_(52023091_?)dup

Gene: ACY1 (aminoacylase 1; plus strand). Cytogenetic location: 3p21.2.
Variant type: Duplication.
Identifiers: ClinVar variation 2423344 (VCV002423344.4).

ClinVar aggregate classification (germline): Uncertain significance (1 of 4 stars; one submission).

Submission:

Labcorp Genetics (formerly Invitae), Labcorp
Classification: Uncertain significance. Last evaluated: 2022-05-11. Review status: criteria provided, single submitter. Criteria: Invitae Variant Classification Sherloc (09022015). Collection method: clinical testing. Allele origin: germline.
Comment: This variant has not been reported in the literature in individuals affected with ACY1-related conditions. In summary, the available evidence is currently insufficient to determine the role of this variant in disease. Therefore, it has been classified as a Variant of Uncertain Significance. A copy number gain of the genomic region encompassing the full coding sequence of the ACY1 gene has been identified. The boundaries of this event are unknown as they extend beyond the assayed region for this gene and therefore may encompass additional genes. As the precise location of this event is unknown, it may be in tandem or it may be located elsewhere in the genome.